The following is an entry in ClinVar:

ClinVar aggregate classification (germline): Uncertain significance (1 of 4 stars; one submission).

Submission:

GeneDx
Classification: Uncertain significance. Last evaluated: 2023-01-18. Review status: criteria provided, single submitter. Criteria: GeneDx Variant Classification Process June 2021. Collection method: clinical testing. Allele origin: germline. Affected: yes.
Comment: Not observed at significant frequency in large population cohorts (gnomAD); In silico analysis supports that this missense variant has a deleterious effect on protein structure/function; Has not been previously published as pathogenic or benign to our knowledge

NM_001134673.4(NFIA):c.*13C>T

Gene: NFIA (nuclear factor I A; plus strand). Cytogenetic location: 1p31.3.
Variant type: single nucleotide variant.
Coding change: c.*13C>T on transcript NM_001134673.4 (MANE Select); 13 bases downstream of the stop codon, C replaced by T.
Molecular consequence: 3 prime UTR variant. On other transcripts: missense variant (1).
Genome position (GRCh38, 1-based): chr1:61,455,333, C>T. VCF-style: chr1-61455333-C-T. GRCh37 (hg19) VCF-style: chr1-61921005-C-T.
Other names: c.*13C>T (NM_001145511.2, NM_001145512.2); c.1451C>T, p.Ser484Phe (NM_005595.5); short protein forms S484F.
Identifiers: ClinVar variation 2573851 (VCV002573851.1), dbSNP rs2525487092, ClinGen allele CA340588564.